The following is an entry in ClinVar:

NM_000448.3(RAG1):c.103G>A (p.Val35Met)

Gene: RAG1 (recombination activating 1; plus strand). Cytogenetic location: 11p12.
Variant type: single nucleotide variant.
Coding change: c.103G>A on transcript NM_000448.3 (MANE Select); coding-DNA position 103, G replaced by A.
Protein change: p.Val35Met; replaces valine 35 with methionine.
Molecular consequence: missense variant.
Genome position (GRCh38, 1-based): chr11:36,573,407, G>A. VCF-style: chr11-36573407-G-A. GRCh37 (hg19) VCF-style: chr11-36594957-G-A.
Other names: c.103G>A, p.Val35Met (NM_001377277.1, NM_001377278.1, NM_001377279.1 and 1 more transcripts); short protein forms V35M.
Identifiers: ClinVar variation 2943088 (VCV002943088.3), dbSNP rs1164702188, ClinGen allele CA380145508.

ClinVar aggregate classification (germline): Uncertain significance (1 of 4 stars; one submission).

Conditions:
Severe combined immunodeficiency, autosomal recessive, T cell-negative, B cell-negative, NK cell-positive. Also called: SCID, T CELL-NEGATIVE, B CELL-NEGATIVE, NK CELL-POSITIVE; SCID, AR, T-cell negative, B-cell negative, NK cell-positive; Severe combined immunodeficiency due to complete RAG1/2 deficiency. Identifiers: Orphanet 331206, MedGen C1832322, MONDO:0011086, OMIM 601457.
Combined immunodeficiency with skin granulomas. Identifiers: Orphanet 157949, MedGen C2673536, MONDO:0009306, OMIM 233650.

Allele frequency attached by ClinVar (database versions not stated): gnomAD exomes below 0.00001; TOPMed below 0.00001; gnomAD 0.00001.
gnomAD v4.1: 2 of 1,613,978 alleles (0.00012%); highest among the groups gnomAD compares: African/African-American, 0.0013%; no homozygotes.

Submission:

Labcorp Genetics (formerly Invitae), Labcorp
Classification: Uncertain significance for Combined immunodeficiency with skin granulomas; Severe combined immunodeficiency, autosomal recessive, T cell-negative, B cell-negative, NK cell-positive. Last evaluated: 2025-07-09. Review status: criteria provided, single submitter. Criteria: Invitae Variant Classification Sherloc (09022015). Collection method: clinical testing. Allele origin: germline.
Comment: This sequence change replaces valine, which is neutral and non-polar, with methionine, which is neutral and non-polar, at codon 35 of the RAG1 protein (p.Val35Met). This variant is not present in population databases (gnomAD no frequency). This variant has not been reported in the literature in individuals affected with RAG1-related conditions. ClinVar contains an entry for this variant (Variation ID: 2943088). Invitae Evidence Modeling of protein sequence and biophysical properties (such as structural, functional, and spatial information, amino acid conservation, physicochemical variation, residue mobility, and thermodynamic stability) has been performed for this missense variant. However, the output from this modeling did not meet the statistical confidence thresholds required to predict the impact of this variant on RAG1 protein function. In summary, the available evidence is currently insufficient to determine the role of this variant in disease. Therefore, it has been classified as a Variant of Uncertain Significance.